The following is an entry in ClinVar:

NM_001267550.2(TTN):c.77706C>T (p.Asp25902=)

Genes: TTN (titin; minus strand), TTN-AS1 (TTN antisense RNA 1; plus strand). Cytogenetic location: 2q31.2.
Variant type: single nucleotide variant.
Coding change: c.77706C>T on transcript NM_001267550.2 (MANE Select); coding-DNA position 77706, C replaced by T.
Protein change: p.Asp25902=; no amino-acid change (aspartic acid 25902 retained).
Molecular consequence: synonymous variant.
Genome position (GRCh38, 1-based): chr2:178,568,426, G>A on the plus strand (C>T on the coding strand, the complement: TTN is on the minus strand). VCF-style: chr2-178568426-G-A. GRCh37 (hg19) VCF-style: chr2-179433153-G-A.
Other names: c.72783C>T, p.Asp24261= (NM_001256850.1); c.50511C>T, p.Asp16837= (NM_003319.4); c.70002C>T, p.Asp23334= (NM_133378.4); c.50886C>T, p.Asp16962= (NM_133432.3); c.51087C>T, p.Asp17029= (NM_133437.4).
Identifiers: ClinVar variation 196083 (VCV000196083.16), dbSNP rs375764395, ClinGen allele CA242862.

ClinVar aggregate classification (germline): Conflicting classifications of pathogenicity. Review status: criteria provided, conflicting classifications (1 of 4 stars). 5 submissions from 5 submitters: Uncertain significance (1); Likely benign (4). Last evaluated 2026-01-19.

Conditions:
TTN-related disorder. Also called: TTN-related condition; TTN-related disease; TTN-related disorders.
Cardiovascular phenotype. Identifiers: MedGen CN230736.
Dilated cardiomyopathy 1G (CMD1G). Identifiers: Orphanet 154, MedGen C1858763, MONDO:0011400, OMIM 604145.
Autosomal recessive limb-girdle muscular dystrophy type 2J (LGMDR10). Also called: Limb-girdle muscular dystrophy, type 2J; MUSCULAR DYSTROPHY, LIMB-GIRDLE, AUTOSOMAL RECESSIVE 10. Identifiers: Orphanet 140922, MedGen C1837342, MONDO:0012127, OMIM 608807.

Allele frequency attached by ClinVar (database versions not stated): gnomAD exomes 0.00005; ExAC 0.00008; ESP Exome Variant Server 0.00008; TOPMed 0.00008; gnomAD 0.00009 and 0.00010.
gnomAD v4.1: 134 of 1,613,044 alleles (0.0083%); highest among the groups gnomAD compares: Non-Finnish European, 0.01%; no homozygotes.

Submissions (5):

Labcorp Genetics (formerly Invitae), Labcorp
Classification: Likely benign for Dilated cardiomyopathy 1G; Autosomal recessive limb-girdle muscular dystrophy type 2J. Last evaluated: 2026-01-19. Review status: criteria provided, single submitter. Criteria: Invitae Variant Classification Sherloc (09022015). Collection method: clinical testing. Allele origin: germline.

PreventionGenetics, part of Exact Sciences
Classification: Likely benign for TTN-related condition. Last evaluated: 2025-10-21. Review status: criteria provided, single submitter. Criteria: ACMG Guidelines, 2015. Collection method: clinical testing. Allele origin: germline.
Comment: This variant is classified as likely benign based on ACMG/AMP sequence variant interpretation guidelines (Richards et al. 2015 PMID: 25741868, with internal and published modifications).

Ambry Genetics
Classification: Likely benign for Cardiovascular phenotype. Last evaluated: 2019-06-03. Review status: criteria provided, single submitter. Criteria: Ambry Variant Classification Scheme 2023. Collection method: clinical testing. Allele origin: germline.

GeneDx
Classification: Likely benign. Last evaluated: 2018-02-09. Review status: criteria provided, single submitter. Criteria: GeneDx Variant Classification (06012015). Collection method: clinical testing. Allele origin: germline. Affected: yes.
Comment: This variant is considered likely benign or benign based on one or more of the following criteria: it is a conservative change, it occurs at a poorly conserved position in the protein, it is predicted to be benign by multiple in silico algorithms, and/or has population frequency not consistent with disease.

Eurofins Ntd Llc (ga)
Classification: Uncertain significance. Last evaluated: 2015-05-12. Review status: criteria provided, single submitter. Criteria: EGL Classification Definitions 2015. Collection method: clinical testing. Allele origin: germline. Observed: 1 variant allele, 1 heterozygote.